The following is an entry in ClinVar:

ClinVar aggregate classification (germline): Uncertain significance. Review status: criteria provided, multiple submitters, no conflicts (2 of 4 stars). 3 submissions from 3 submitters: Uncertain significance (3). Last evaluated 2026-01-14.

Conditions:
Cardiovascular phenotype. Identifiers: MedGen CN230736.
Distal myopathy with posterior leg and anterior hand involvement. Also called: WILLIAMS DISTAL MYOPATHY. Identifiers: Orphanet 63273, MedGen C3279722, MONDO:0013550, OMIM 614065.
Myofibrillar myopathy 5. Also called: FILAMINOPATHY, AUTOSOMAL DOMINANT; Filaminopathy (type). Identifiers: Orphanet 171445, MedGen C1836050, MONDO:0012289, OMIM 609524.
Hypertrophic cardiomyopathy 26. Also called: Cardiomyopathy, familial hypertrophic, 26. Identifiers: Orphanet 75249, MedGen C4310749, MONDO:0014883, OMIM 617047.

Allele frequency attached by ClinVar (database versions not stated): gnomAD 0.00001.
gnomAD v4.1: 42 of 1,614,044 alleles (0.0026%); highest among the groups gnomAD compares: Non-Finnish European, 0.0034%; no homozygotes.

Submissions (3):

Labcorp Genetics (formerly Invitae), Labcorp
Classification: Uncertain significance for Distal myopathy with posterior leg and anterior hand involvement; Myofibrillar myopathy 5; Hypertrophic cardiomyopathy 26. Last evaluated: 2026-01-14. Review status: criteria provided, single submitter. Criteria: Invitae Variant Classification Sherloc (09022015). Collection method: clinical testing. Allele origin: germline.
Comment: This sequence change replaces isoleucine, which is neutral and non-polar, with asparagine, which is neutral and polar, at codon 1410 of the FLNC protein (p.Ile1410Asn). This variant is present in population databases (rs778951900, gnomAD 0.004%). This variant has not been reported in the literature in individuals affected with FLNC-related conditions. ClinVar contains an entry for this variant (Variation ID: 576225). Invitae Evidence Modeling of protein sequence and biophysical properties (such as structural, functional, and spatial information, amino acid conservation, physicochemical variation, residue mobility, and thermodynamic stability) has been performed for this missense variant. However, the output from this modeling did not meet the statistical confidence thresholds required to predict the impact of this variant on FLNC protein function. In summary, the available evidence is currently insufficient to determine the role of this variant in disease. Therefore, it has been classified as a Variant of Uncertain Significance.

Ambry Genetics
Classification: Uncertain significance for Cardiovascular phenotype. Last evaluated: 2024-05-19. Review status: criteria provided, single submitter. Criteria: Ambry Variant Classification Scheme 2023. Collection method: clinical testing. Allele origin: germline.
Comment: The p.I1410N variant (also known as c.4229T>A), located in coding exon 24 of the FLNC gene, results from a T to A substitution at nucleotide position 4229. The isoleucine at codon 1410 is replaced by asparagine, an amino acid with dissimilar properties. This amino acid position is conserved. In addition, the in silico prediction for this alteration is inconclusive. Since supporting evidence is limited at this time, the clinical significance of this alteration remains unclear.

GeneDx
Classification: Uncertain significance. Last evaluated: 2022-10-28. Review status: criteria provided, single submitter. Criteria: GeneDx Variant Classification Process June 2021. Collection method: clinical testing. Allele origin: germline. Affected: yes.
Comment: In silico analysis supports that this missense variant has a deleterious effect on protein structure/function; Has not been previously published as pathogenic or benign to our knowledge

NM_001458.5(FLNC):c.4229T>A (p.Ile1410Asn)

Gene: FLNC (filamin C; plus strand). Cytogenetic location: 7q32.1.
Variant type: single nucleotide variant.
Coding change: c.4229T>A on transcript NM_001458.5 (MANE Select); coding-DNA position 4229, T replaced by A.
Protein change: p.Ile1410Asn; replaces isoleucine 1410 with asparagine.
Molecular consequence: missense variant.
Genome position (GRCh38, 1-based): chr7:128,846,846, T>A. VCF-style: chr7-128846846-T-A. GRCh37 (hg19) VCF-style: chr7-128486900-T-A.
Other names: c.4229T>A, p.Ile1410Asn (NM_001127487.2); short protein forms I1410N.
Identifiers: ClinVar variation 576225 (VCV000576225.12), dbSNP rs778951900, ClinGen allele CA4475272.